The following is an entry in ClinVar:

NM_004813.4(PEX16):c.461-6T>A

Gene: PEX16 (peroxisomal biogenesis factor 16; minus strand). Cytogenetic location: 11p11.2.
Variant type: single nucleotide variant.
Coding change: c.461-6T>A on transcript NM_004813.4 (MANE Select); 6 bases into the intron before coding-DNA position 461, T replaced by A.
Molecular consequence: intron variant.
Genome position (GRCh38, 1-based): chr11:45,914,690, A>T on the plus strand (T>A on the coding strand, the complement: PEX16 is on the minus strand). VCF-style: chr11-45914690-A-T. GRCh37 (hg19) VCF-style: chr11-45936241-A-T.
Other names: c.461-6T>A (NM_057174.3).
Identifiers: ClinVar variation 1993785 (VCV001993785.4), dbSNP rs2494899007, ClinGen allele CA2580084305.

ClinVar aggregate classification (germline): Uncertain significance (1 of 4 stars; one submission).

Conditions:
Peroxisome biogenesis disorder. Identifiers: Orphanet 79189, MedGen C1832200, MONDO:0019234. Disease mechanism: loss of function.

Allele frequency attached by ClinVar (database versions not stated): gnomAD exomes below 0.00001.

Submission:

Labcorp Genetics (formerly Invitae), Labcorp
Classification: Uncertain significance for Peroxisome biogenesis disorder. Last evaluated: 2022-05-12. Review status: criteria provided, single submitter. Criteria: Invitae Variant Classification Sherloc (09022015). Collection method: clinical testing. Allele origin: germline.
Comment: This sequence change falls in intron 5 of the PEX16 gene. It does not directly change the encoded amino acid sequence of the PEX16 protein. This variant is not present in population databases (gnomAD no frequency). This variant has not been reported in the literature in individuals affected with PEX16-related conditions. Algorithms developed to predict the effect of sequence changes on RNA splicing suggest that this variant may create or strengthen a splice site. In summary, the available evidence is currently insufficient to determine the role of this variant in disease. Therefore, it has been classified as a Variant of Uncertain Significance.